The following is an entry in ClinVar:

ClinVar aggregate classification (germline): Pathogenic (1 of 4 stars; one submission).

Conditions:
Familial adenomatous polyposis 1 (FAP1). Also called: FAMILIAL ADENOMATOUS POLYPOSIS 1, ATTENUATED; POLYPOSIS, ADENOMATOUS INTESTINAL. Identifiers: MedGen C2713442, MONDO:0021056, OMIM 175100. Disease mechanism: loss of function.

Submission:

Myriad Genetics, Inc.
Classification: Pathogenic for Familial adenomatous polyposis 1. Last evaluated: 2023-05-10. Review status: criteria provided, single submitter. Criteria: Myriad Autosomal Dominant, Autosomal Recessive and X-Linked Classification Criteria (2023). Collection method: clinical testing. Allele origin: unknown.
Comment: This variant is considered pathogenic. This variant creates a frameshift predicted to result in premature protein truncation.

NM_000038.6(APC):c.3989del (p.Pro1330fs)

Gene: APC (APC regulator of Wnt signaling pathway; plus strand). Cytogenetic location: 5q22.2.
Variant type: Deletion.
Coding change: c.3989del on transcript NM_000038.6 (MANE Select); coding-DNA position 3989, one base deleted (C; older notation c.3989delC).
Protein change: p.Pro1330fs; shifts the reading frame from proline 1330.
Molecular consequence: frameshift variant. On other transcripts: non-coding transcript variant (2).
Genome position (GRCh38, 1-based): chr5:112,839,583, C deleted; the last of 3 consecutive C bases (chr5:112,839,581-112,839,583); deleting any one gives the same sequence. VCF-style (leftmost placement, unchanged base first): chr5-112839580-AC-A. GRCh37 (hg19) VCF-style: chr5-112175277-AC-A.
Other names: c.3989del, p.Pro1330fs (NM_001127510.3, NM_001354895.2, NM_001407450.1); c.3935del, p.Pro1312fs (NM_001127511.3); c.4043del, p.Pro1348fs (NM_001354896.2, NM_001407447.1, NM_001407448.1 and 1 more transcripts); c.4019del, p.Pro1340fs (NM_001354897.2); c.3914del, p.Pro1305fs (NM_001354898.2); c.3905del, p.Pro1302fs (NM_001354899.2); c.3866del, p.Pro1289fs (NM_001354900.2); c.3812del, p.Pro1271fs (NM_001354901.2, NM_001407453.1); and 11 more; short protein forms P1047fs, P1170fs, P1201fs, P1204fs, P1229fs, P1239fs, P1247fs, P1271fs.
Identifiers: ClinVar variation 2584079 (VCV002584079.2), dbSNP rs2533539975, ClinGen allele CA2582341545.